The following is an entry in ClinVar:

NM_003476.5(CSRP3):c.377C>T (p.Ser126Leu)

Gene: CSRP3 (cysteine and glycine rich protein 3; minus strand). Cytogenetic location: 11p15.1.
Variant type: single nucleotide variant.
Coding change: c.377C>T on transcript NM_003476.5 (MANE Select); coding-DNA position 377, C replaced by T.
Protein change: p.Ser126Leu; replaces serine 126 with leucine.
Molecular consequence: missense variant. On other transcripts: nonsense (1).
Genome position (GRCh38, 1-based): chr11:19,186,253, G>A on the plus strand (C>T on the coding strand, the complement: CSRP3 is on the minus strand). VCF-style: chr11-19186253-G-A. GRCh37 (hg19) VCF-style: chr11-19207800-G-A.
Other names: c.377C>T, p.Ser126Leu (NM_001127656.1); c.208C>T, p.Gln70Ter (NM_001369404.1); short protein forms Q70*, S126L.
Identifiers: ClinVar variation 2178232 (VCV002178232.4), dbSNP rs1850523074, ClinGen allele CA379887900.

ClinVar aggregate classification (germline): Uncertain significance (1 of 4 stars; one submission).

Conditions:
Dilated cardiomyopathy 1M (CMD1M). Identifiers: Orphanet 154, MedGen C1843808, MONDO:0011840, OMIM 607482.
Hypertrophic cardiomyopathy 12. Identifiers: MedGen C2677491, MONDO:0012804, OMIM 612124.

Allele frequency attached by ClinVar (database versions not stated): TOPMed below 0.00001.

Submission:

Labcorp Genetics (formerly Invitae), Labcorp
Classification: Uncertain significance for Hypertrophic cardiomyopathy 12; Dilated cardiomyopathy 1M. Last evaluated: 2025-12-14. Review status: criteria provided, single submitter. Criteria: Invitae Variant Classification Sherloc (09022015). Collection method: clinical testing. Allele origin: germline.
Comment: This sequence change replaces serine, which is neutral and polar, with leucine, which is neutral and non-polar, at codon 126 of the CSRP3 protein (p.Ser126Leu). This variant is not present in population databases (gnomAD no frequency). This variant has not been reported in the literature in individuals affected with CSRP3-related conditions. ClinVar contains an entry for this variant (Variation ID: 2178232). An algorithm developed to predict the effect of missense changes on protein structure and function (PolyPhen-2) suggests that this variant is likely to be tolerated. In summary, the available evidence is currently insufficient to determine the role of this variant in disease. Therefore, it has been classified as a Variant of Uncertain Significance.